The following is an entry in ClinVar:

NM_016203.4(PRKAG2):c.947-10T>G

Gene: PRKAG2 (protein kinase AMP-activated non-catalytic subunit gamma 2; minus strand). Cytogenetic location: 7q36.1.
Variant type: single nucleotide variant.
Coding change: c.947-10T>G on transcript NM_016203.4 (MANE Select); 10 bases into the intron before coding-DNA position 947, T replaced by G.
Molecular consequence: intron variant.
Genome position (GRCh38, 1-based): chr7:151,574,959, A>C on the plus strand (T>G on the coding strand, the complement: PRKAG2 is on the minus strand). VCF-style: chr7-151574959-A-C. GRCh37 (hg19) VCF-style: chr7-151272045-A-C.
Other names: c.815-10T>G (NM_001040633.2); c.572-10T>G (NM_001304527.2); c.575-10T>G (NM_001363698.2); c.224-10T>G (NM_001304531.2, NM_024429.2).
Identifiers: ClinVar variation 1304178 (VCV001304178.2), dbSNP rs2151034984, ClinGen allele CA2573052841.

ClinVar aggregate classification (germline): Uncertain significance (1 of 4 stars; one submission).

gnomAD v4.1: 1 of 1,612,548 alleles (0.000062%); highest among the groups gnomAD compares: East Asian, 0.0022%; no homozygotes.

Submission:

GeneDx
Classification: Uncertain significance. Last evaluated: 2021-02-26. Review status: criteria provided, single submitter. Criteria: GeneDx Variant Classification Process June 2021. Collection method: clinical testing. Allele origin: germline. Affected: yes.
Comment: Not observed in large population cohorts (Lek et al., 2016); Has not been previously published as pathogenic or benign to our knowledge; In-silico analysis, which includes splice predictors and evolutionary conservation, is inconclusive as to whether the variant alters gene splicing. In the absence of RNA/functional studies, the actual effect of this sequence change is unknown.